The following is an entry in ClinVar:

ClinVar aggregate classification (germline): Uncertain significance (1 of 4 stars; one submission).

Conditions:
Brugada syndrome 8 (BRGDA8). Identifiers: Orphanet 130, MedGen C2751083, MONDO:0013148, OMIM 613123.

Submission:

Labcorp Genetics (formerly Invitae), Labcorp
Classification: Uncertain significance for Brugada syndrome 8. Last evaluated: 2020-01-14. Review status: criteria provided, single submitter. Criteria: Invitae Variant Classification Sherloc (09022015). Collection method: clinical testing. Allele origin: germline.
Comment: The current clinical and genetic evidence is not sufficient to establish whether loss-of-function variants in HCN4 cause disease. In summary, the available evidence is currently insufficient to determine the role of this variant in disease. Therefore, it has been classified as a Variant of Uncertain Significance. This variant has not been reported in the literature in individuals with HCN4-related conditions. This variant is not present in population databases (ExAC no frequency). This sequence change creates a premature translational stop signal (p.Arg390Thrfs*58) in the HCN4 gene. It is expected to result in an absent or disrupted protein product.

NM_005477.3(HCN4):c.1167dup (p.Arg390fs)

Genes: HCN4 (hyperpolarization activated cyclic nucleotide gated potassium channel 4; minus strand), LOC105370890 (uncharacterized LOC105370890; plus strand), LOC126862173 (CDK7 strongly-dependent group 2 enhancer GRCh37_chr15:73635762-73636961; plus strand). Cytogenetic location: 15q24.1.
Variant type: Duplication.
Coding change: c.1167dup on transcript NM_005477.3 (MANE Select); coding-DNA position 1167, one base duplicated (A; older notation c.1167dupA).
Protein change: p.Arg390fs; shifts the reading frame from arginine 390.
Molecular consequence: frameshift variant.
Genome position (GRCh38, 1-based): chr15:73,343,427, T duplicated on the plus strand (A on the coding strand, the reverse complement: HCN4 is on the minus strand). VCF-style (leftmost placement, unchanged base first): chr15-73343426-G-GT. GRCh37 (hg19) VCF-style: chr15-73635767-G-GT.
Other names: short protein forms R390fs.
Identifiers: ClinVar variation 1034760 (VCV001034760.7), dbSNP rs2043016217, ClinGen allele CA2187179724.